The following is an entry in ClinVar:

NM_001379500.1(COL18A1):c.3199G>A (p.Gly1067Arg)

Genes: COL18A1 (collagen type XVIII alpha 1 chain; plus strand), SLC19A1 (solute carrier family 19 member 1; minus strand). Cytogenetic location: 21q22.3.
Variant type: single nucleotide variant.
Coding change: c.3199G>A on transcript NM_001379500.1 (MANE Select); coding-DNA position 3199, G replaced by A.
Protein change: p.Gly1067Arg; replaces glycine 1067 with arginine.
Molecular consequence: missense variant.
Genome position (GRCh38, 1-based): chr21:45,505,949, G>A. VCF-style: chr21-45505949-G-A. GRCh37 (hg19) VCF-style: chr21-46925863-G-A.
Other names: c.3730G>A, p.Gly1244Arg (NM_030582.4); c.4435G>A, p.Gly1479Arg (NM_130444.3); c.3730G>A (NM_030582.3); short protein forms G1244R, G1067R, G1479R.
Identifiers: ClinVar variation 1359981 (VCV001359981.4), dbSNP rs770390930, ClinGen allele CA10067749.

ClinVar aggregate classification (germline): Uncertain significance. Review status: criteria provided, single submitter (1 of 4 stars). 2 submissions from 2 submitters: Uncertain significance (1). 1 of the submissions does not count toward it. Last evaluated 2022-09-07.

Conditions:
COL18A1-related disorder. Also called: COL18A1-related condition; COL18A1-related disorders.

Allele frequency attached by ClinVar (database versions not stated): gnomAD 0.00001; TOPMed 0.00003; gnomAD exomes 0.00006; ExAC 0.00008.
gnomAD v4.1: 44 of 1,613,104 alleles (0.0027%); highest among the groups gnomAD compares: East Asian, 0.013%; no homozygotes.

Submissions (2):

Labcorp Genetics (formerly Invitae), Labcorp
Classification: Uncertain significance. Last evaluated: 2022-09-07. Review status: criteria provided, single submitter. Criteria: Invitae Variant Classification Sherloc (09022015). Collection method: clinical testing. Allele origin: germline.
Comment: This sequence change replaces glycine, which is neutral and non-polar, with arginine, which is basic and polar, at codon 1064 of the COL18A1 protein (p.Gly1064Arg). This variant is present in population databases (rs770390930, gnomAD 0.05%). This variant has not been reported in the literature in individuals affected with COL18A1-related conditions. ClinVar contains an entry for this variant (Variation ID: 1359981). Experimental studies and prediction algorithms are not available or were not evaluated, and the functional significance of this variant is currently unknown. In summary, the available evidence is currently insufficient to determine the role of this variant in disease. Therefore, it has been classified as a Variant of Uncertain Significance.

PreventionGenetics, part of Exact Sciences
Classification: Uncertain significance for COL18A1-related condition. Last evaluated: 2024-09-15. Review status: no assertion criteria provided. Collection method: clinical testing. Allele origin: germline. Not counted in ClinVar's aggregate classification.
Comment: The COL18A1 c.3730G>A variant is predicted to result in the amino acid substitution p.Gly1244Arg. To our knowledge, this variant has not been reported in the literature. This variant is reported in 0.050% of alleles in individuals of East Asian descent in gnomAD, which may be too common to be an unreported cause of disease. Although we suspect that this variant may be benign, at this time, the clinical significance of this variant is uncertain due to the absence of conclusive functional and genetic evidence.